The following is an entry in ClinVar:

NM_000369.5(TSHR):c.1657G>A (p.Ala553Thr)

Genes: TSHR (thyroid stimulating hormone receptor; plus strand), TSHR-AS1 (TSHR antisense RNA 1; minus strand). Cytogenetic location: 14q31.1.
Variant type: single nucleotide variant.
Coding change: c.1657G>A on transcript NM_000369.5 (MANE Select); coding-DNA position 1657, G replaced by A.
Protein change: p.Ala553Thr; replaces alanine 553 with threonine.
Molecular consequence: missense variant.
Genome position (GRCh38, 1-based): chr14:81,143,715, G>A. VCF-style: chr14-81143715-G-A. GRCh37 (hg19) VCF-style: chr14-81610059-G-A.
Other names: short protein forms A553T.
Identifiers: ClinVar variation 6445 (VCV000006445.20), dbSNP rs121908872, ClinGen allele CA118236.
Genomic context (GRCh38, chr14:81,143,715, plus strand): 5'-ATCCGCCTCAGGCACGCATGTGCCATCATGGTTGGGGGCTGGGTTTGCTGCTTCCTTCTC[G>A]CCCTGCTTCCTTTGGTGGGAATAAGTAGCTATGCCAAAGTCAGTATCTGCCTGCCCATGG-3'
Protein context (NP_000360.2, residues 543-563): VGGWVCCFLL[Ala553Thr]LLPLVGISSY

ClinVar aggregate classification (germline): Pathogenic/Likely pathogenic. Review status: criteria provided, multiple submitters, no conflicts (2 of 4 stars). 10 submissions from 10 submitters: Pathogenic (6); Likely pathogenic (2). 2 of the submissions do not count toward it. Last evaluated 2026-02-26.

Conditions:
TSHR-related disorder. Also called: TSHR-related condition; TSHR-related disorders.
Familial hyperthyroidism due to mutations in TSH receptor. Also called: TOXIC THYROID HYPERPLASIA, AUTOSOMAL DOMINANT; HYPERTHYROIDISM, CONGENITAL NONAUTOIMMUNE; HYPERTHYROIDISM, NONAUTOIMMUNE, AUTOSOMAL DOMINANT. Identifiers: Orphanet 424, MedGen C1836706, MONDO:0012203, OMIM 609152.
Hypothyroidism due to TSH receptor mutations. Also called: Hypothyroidism, congenital, nongoitrous, 1; HYPOTHYROIDISM DUE TO UNRESPONSIVENESS TO THYROTROPIN; HYPOTHYROIDISM, CONGENITAL, DUE TO TSH RESISTANCE; HYPOTHYROIDISM, NONAUTOIMMUNE; THYROID-STIMULATING HORMONE, RESISTANCE TO; TSH RESISTANCE. Identifiers: Orphanet 90673, MedGen C3493776, MONDO:0010142, OMIM 275200.
Familial gestational hyperthyroidism. Identifiers: Orphanet 99819, MedGen C1863959, MONDO:0011309, OMIM 603373.
Inborn genetic diseases. Identifiers: MedGen C0950123, MeSH D030342.

Allele frequency attached by ClinVar (database versions not stated): TOPMed 0.00004.
gnomAD v4.1: 95 of 1,613,902 alleles (0.0059%); highest among the groups gnomAD compares: South Asian, 0.0077%; no homozygotes.

Submissions (10):

Dasa
Classification: Pathogenic. Last evaluated: 2026-02-26. Review status: criteria provided, single submitter. Criteria: DASA Assertion Criteria. Collection method: clinical testing. Allele origin: germline.
Comment: NM_000369.5(TSHR):c.1657G>A (p.Ala553Thr) is a missense variant that results in the substitution of alanine with threonine. The affected residue or protein region has prior evidence supporting clinical relevance. Segregation evidence has been reported in affected families. This variant has been observed in affected individuals with related phenotype in a genotype context consistent with recessive disease (PMID: 39337518; PMID: 20718767; PMID: 14725684; PMID: 9185526; PMID: 29092890). Functional evidence supports a deleterious effect on the gene or gene product (PMID: 39337518; PMID: 20718767; PMID: 14725684; PMID: 9185526; PMID: 29092890). This variant has been recurrently observed in individuals with related phenotype (PMID: 39337518; PMID: 20718767; PMID: 14725684; PMID: 9185526; PMID: 29092890). Multiple computational predictions support a deleterious effect on the gene or gene product. The variant is present at low frequency in population datasets. Based on the available data, this variant is classified as pathogenic.

Fulgent Genetics
Classification: Pathogenic for Hypothyroidism due to TSH receptor mutations; Familial gestational hyperthyroidism; Familial hyperthyroidism due to mutations in TSH receptor. Last evaluated: 2024-05-16. Review status: criteria provided, single submitter. Criteria: ACMG Guidelines, 2015. Collection method: clinical testing. Allele origin: germline.

Women's Health and Genetics/Laboratory Corporation of America, LabCorp
Classification: Pathogenic for Hypothyroidism due to TSH receptor mutations. Last evaluated: 2024-05-16. Review status: criteria provided, single submitter. Criteria: LabCorp Variant Classification Summary - May 2015. Collection method: clinical testing. Allele origin: germline.
Comment: Variant summary: TSHR c.1657G>A (p.Ala553Thr) results in a non-conservative amino acid change located in the GPCR, rhodopsin-like, 7TM domain (IPR017452) of the encoded protein sequence. Four of five in-silico tools predict a damaging effect of the variant on protein function. The variant allele was found at a frequency of 3.2e-05 in 251360 control chromosomes. c.1657G>A has been reported in the literature in multiple biallelic individuals affected with Hypothyroidism Due To TSH Receptor Mutations (e.g. Abramowicz_1997, Cangul_2010). These data indicate that the variant is very likely to be associated with disease. At least one publication reports experimental evidence evaluating an impact on protein function. The most pronounced variant effect results in reduced TSH-induced cyclic adenosine monophosphate (cAMP) signaling in COS-7 cells (Abramowicz_1997). The following publications have been ascertained in the context of this evaluation (PMID: 9185526, 20718767). ClinVar contains an entry for this variant (Variation ID: 6445). Based on the evidence outlined above, the variant was classified as pathogenic.

Labcorp Genetics (formerly Invitae), Labcorp
Classification: Pathogenic. Last evaluated: 2024-05-06. Review status: criteria provided, single submitter. Criteria: Invitae Variant Classification Sherloc (09022015). Collection method: clinical testing. Allele origin: germline.
Comment: This sequence change replaces alanine, which is neutral and non-polar, with threonine, which is neutral and polar, at codon 553 of the TSHR protein (p.Ala553Thr). This variant is present in population databases (rs121908872, gnomAD 0.006%). This missense change has been observed in individual(s) with hypothyroidism (PMID: 9185526, 14725684, 20718767, 27255745, 29092890). In at least one individual the data is consistent with being in trans (on the opposite chromosome) from a pathogenic variant. It has also been observed to segregate with disease in related individuals. ClinVar contains an entry for this variant (Variation ID: 6445). Advanced modeling of protein sequence and biophysical properties (such as structural, functional, and spatial information, amino acid conservation, physicochemical variation, residue mobility, and thermodynamic stability) performed at Invitae indicates that this missense variant is expected to disrupt TSHR protein function with a positive predictive value of 80%. Experimental studies have shown that this missense change affects TSHR function (PMID: 9185526, 10560953). For these reasons, this variant has been classified as Pathogenic.

Baylor Genetics
Classification: Pathogenic for Familial gestational hyperthyroidism. Last evaluated: 2024-03-23. Review status: criteria provided, single submitter. Criteria: ACMG Guidelines, 2015. Collection method: clinical testing. Allele origin: unknown.

Ambry Genetics
Classification: Pathogenic for Inborn genetic diseases. Last evaluated: 2021-09-08. Review status: criteria provided, single submitter. Criteria: Ambry Variant Classification Scheme 2023. Collection method: clinical testing. Allele origin: germline.
Comment: The c.1657G>A (p.A553T) alteration is located in exon 10 (coding exon 10) of the TSHR gene. This alteration results from a G to A substitution at nucleotide position 1657, causing the alanine (A) at amino acid position 553 to be replaced by a threonine (T). Based on the available evidence, this variant is expected to be causative of congenital nongoitrous hypothyroidism (AR) when present along with a second pathogenic or likely pathogenic variant on the other allele; however, it is unlikely to be causative of nonautoimmune hyperthyroidism (AD). Based on data from gnomAD, the A allele has an overall frequency of <0.01% (8/251360) total alleles studied. The highest observed frequency was 0.01% (2/30616) of South Asian alleles. This alteration has been detected in the homozygous state or compound heterozygous with a second TSHR variant in multiple unrelated individuals with congenital hypothyroidism (Abramowicz, 1997; Park, 2004; Cangul, 2010; van Tellingen, 2016). Heterozygous carriers of this variant have been reported with subclinical or mild hypothyroidism (Nicoletti, 2009; Abe, 2018). This amino acid position is highly conserved in available vertebrate species. The in silico prediction for this alteration is inconclusive. Based on the available evidence, this alteration is classified as pathogenic.

Illumina Laboratory Services, Illumina
Classification: Likely pathogenic for Hypothyroidism due to TSH receptor mutations. Last evaluated: 2017-04-27. Review status: criteria provided, single submitter. Criteria: ICSL Variant Classification Criteria 09 May 2019. Collection method: clinical testing. Allele origin: germline.
Comment: The TSHR c.1657G>A (p.Ala553Thr) missense variant is described in five studies in which it is identified in seven patients with congenital hyopthyroidism including in a homozygous state in two pairs of consanguineous siblings and in a compound heterozygous state in two non-consanguineous siblings and an additional unrelated patient (Abramowicz et al. 1997; Park et al. 2004; Cangul et al. 2010; Cangul et al. 2012; van Tellingen et al. 2016). The variant was absent from 400 control alleles but is reported at a frequency of 0.00003 in the total population of the Exome Aggregation Consortium. Functional studies in COS-7 cells demonstrated that the p.Ala553Thr variant resulted in extremely low cell-surface expression of the receptor compared to wild type (Abramowicz et al. 1997). The Ala553 residue is highly conserved (Abramowicz et al. 1997; Cangul et al. 2010). Stability studies showed that the variant was expected to be significantly destabilizing for the protein (Cangul et al. 2010). Based on the collective evidence, the p.Ala553Thr variant is classified as likely pathogenic for congenital hypothyroidism. This variant was observed by ICSL as part of a predisposition screen in an ostensibly healthy population.

Genetic Services Laboratory, University of Chicago
Classification: Likely pathogenic for Hypothyroidism, congenital, nongoitrous, 1. Last evaluated: 2016-11-07. Review status: criteria provided, single submitter. Criteria: ACMG Guidelines, 2015. Collection method: clinical testing. Allele origin: germline. Affected: yes.

PreventionGenetics, part of Exact Sciences
Classification: Likely pathogenic for TSHR-related condition. Last evaluated: 2024-02-02. Review status: no assertion criteria provided. Collection method: clinical testing. Allele origin: germline. Not counted in ClinVar's aggregate classification.
Comment: The TSHR c.1657G>A variant is predicted to result in the amino acid substitution p.Ala553Thr. This variant has been reported in the monoallelic or bi-allelic state in individuals with Hypothyroidism (Abramowicz et al. 1997. PubMed ID: 9185526; Park et al. 2004. PubMed ID: 14725684; Abe et al. 2017. PubMed ID: 29092890). This variant is reported in 0.0065% of alleles in individuals of South Asian descent in gnomAD. This variant is interpreted as likely pathogenic.

OMIM
Classification: Pathogenic for HYPOTHYROIDISM, CONGENITAL, NONGOITROUS, 1. Last evaluated: 1997-06-15. Review status: no assertion criteria provided. Collection method: literature only. Allele origin: germline. Not counted in ClinVar's aggregate classification.

Literature cited by the submitters: PubMed 39337518 (cited by Dasa); PubMed 20718767 (cited by 5 submitters); PubMed 14725684 (cited by 4 submitters); PubMed 9185526 (cited by 6 submitters); PubMed 29092890 (cited by 3 submitters); PubMed 22876533 (cited by Dasa and Illumina Laboratory Services, Illumina); PubMed 19820021 (cited by Dasa and Ambry Genetics); PubMed 27255745 (cited by 3 submitters); PubMed 10560953 (cited by Labcorp Genetics (formerly Invitae), Labcorp).